The following is an entry in ClinVar:

NM_000064.4(C3):c.3593A>G (p.Gln1198Arg)

Gene: C3 (complement C3; minus strand). Cytogenetic location: 19p13.3.
Variant type: single nucleotide variant.
Coding change: c.3593A>G on transcript NM_000064.4 (MANE Select); coding-DNA position 3593, A replaced by G.
Protein change: p.Gln1198Arg; replaces glutamine 1198 with arginine.
Molecular consequence: missense variant.
Genome position (GRCh38, 1-based): chr19:6,686,799, T>C on the plus strand (A>G on the coding strand, the complement: C3 is on the minus strand). VCF-style: chr19-6686799-T-C. GRCh37 (hg19) VCF-style: chr19-6686810-T-C.
Other names: c.3593A>G (LRG_27t1); short protein forms Q1198R.
Identifiers: ClinVar variation 636510 (VCV000636510.10), dbSNP rs372976419, ClinGen allele CA9128686.

ClinVar aggregate classification (germline): Uncertain significance. Review status: criteria provided, multiple submitters, no conflicts (2 of 4 stars). 3 submissions from 3 submitters: Uncertain significance (3). Last evaluated 2024-11-01.

Conditions:
Age related macular degeneration 9. Identifiers: MedGen C1969651, MONDO:0012659, OMIM 611378.
Atypical hemolytic-uremic syndrome with C3 anomaly. Also called: AHUS, SUSCEPTIBILITY TO, 5. Identifiers: Orphanet 2134, MedGen C2752037, MONDO:0013043, OMIM 612925.
Complement component 3 deficiency. Identifiers: Orphanet 280133, MedGen C3151071, MONDO:0013417, OMIM 613779.

Allele frequency attached by ClinVar (database versions not stated): gnomAD 0.00001; TOPMed 0.00001; gnomAD exomes 0.00002 and 0.00004; ExAC 0.00004; ESP Exome Variant Server 0.00008.
gnomAD v4.1: 34 of 1,614,096 alleles (0.0021%); highest among the groups gnomAD compares: Non-Finnish European, 0.0027%; no homozygotes.

Submissions (3):

Labcorp Genetics (formerly Invitae), Labcorp
Classification: Uncertain significance. Last evaluated: 2024-11-01. Review status: criteria provided, single submitter. Criteria: Invitae Variant Classification Sherloc (09022015). Collection method: clinical testing. Allele origin: germline.
Comment: This sequence change replaces glutamine, which is neutral and polar, with arginine, which is basic and polar, at codon 1198 of the C3 protein (p.Gln1198Arg). This variant is present in population databases (rs372976419, gnomAD 0.008%). This variant has not been reported in the literature in individuals affected with C3-related conditions. ClinVar contains an entry for this variant (Variation ID: 636510). Invitae Evidence Modeling of protein sequence and biophysical properties (such as structural, functional, and spatial information, amino acid conservation, physicochemical variation, residue mobility, and thermodynamic stability) indicates that this missense variant is not expected to disrupt C3 protein function with a negative predictive value of 80%. In summary, the available evidence is currently insufficient to determine the role of this variant in disease. Therefore, it has been classified as a Variant of Uncertain Significance.

Blueprint Genetics
Classification: Uncertain significance. Last evaluated: 2024-08-14. Review status: criteria provided, single submitter. Criteria: ACMG Guidelines, 2015. Collection method: clinical testing. Allele origin: germline.

Fulgent Genetics
Classification: Uncertain significance for Age related macular degeneration 9; Atypical hemolytic-uremic syndrome with C3 anomaly; Complement component 3 deficiency. Last evaluated: 2023-12-26. Review status: criteria provided, single submitter. Criteria: ACMG Guidelines, 2015. Collection method: clinical testing. Allele origin: germline.